The following is an entry in ClinVar:

NM_181303.2(NLGN3):c.1890C>A (p.His630Gln)

Gene: NLGN3 (neuroligin 3; plus strand). Cytogenetic location: Xq13.1.
Variant type: single nucleotide variant.
Coding change: c.1890C>A on transcript NM_181303.2 (MANE Select); coding-DNA position 1890, C replaced by A.
Protein change: p.His630Gln; replaces histidine 630 with glutamine.
Molecular consequence: missense variant.
Genome position (GRCh38, 1-based): chrX:71,169,440, C>A. VCF-style: chrX-71169440-C-A. GRCh37 (hg19) VCF-style: chrX-70389290-C-A.
Other names: c.1770C>A, p.His590Gln (NM_001166660.2); c.1479C>A, p.His493Gln (NM_001321276.2); c.1830C>A, p.His610Gln (NM_018977.4); short protein forms H493Q, H590Q, H610Q, H630Q.
Identifiers: ClinVar variation 3384309 (VCV003384309.1).

ClinVar aggregate classification (germline): Uncertain significance (1 of 4 stars; one submission).

gnomAD v4.1: 3 of 1,208,998 alleles (0.00025%); highest among the groups gnomAD compares: African/African-American, 0.0053%; no homozygotes.

Submission:

GeneDx
Classification: Uncertain significance. Last evaluated: 2024-06-06. Review status: criteria provided, single submitter. Criteria: GeneDx Variant Classification Process June 2021. Collection method: clinical testing. Allele origin: germline. Affected: yes.
Comment: Not observed at significant frequency in large population cohorts (gnomAD); In silico analysis supports that this missense variant has a deleterious effect on protein structure/function; Has not been previously published as pathogenic or benign to our knowledge